The following is an entry in ClinVar:

NM_007374.3(SIX6):c.-64C>T

Genes: C14orf39 (chromosome 14 open reading frame 39; minus strand), SIX6 (SIX homeobox 6; plus strand). Cytogenetic location: 14q23.1.
Variant type: single nucleotide variant.
Coding change: c.-64C>T on transcript NM_007374.3 (MANE Select); 64 bases upstream of the start codon, C replaced by T.
Molecular consequence: 5 prime UTR variant.
Genome position (GRCh38, 1-based): chr14:60,509,335, C>T. VCF-style: chr14-60509335-C-T. GRCh37 (hg19) VCF-style: chr14-60976053-C-T.
Identifiers: ClinVar variation 882018 (VCV000882018.6), dbSNP rs148591528, ClinGen allele CA262195798.
Genomic context (GRCh38, chr14:60,509,335, plus strand): 5'-AGTGTGTCCCGCTGCCCCAATCCGCCTCATCAACAAGCGCCTGGCACACTCAGCCAGGCC[C>T]GCGGGCATCTGCTGCGTGTCCCGCTCCGGGCTCAGTGCCCTCGCCGCCGCCGGCACTGCC-3'

ClinVar aggregate classification (germline): Likely benign. Review status: criteria provided, multiple submitters, no conflicts (2 of 4 stars). 2 submissions from 2 submitters: Likely benign (2). Last evaluated 2019-03-24.

Conditions:
Anophthalmia-microphthalmia syndrome. Also called: Anophthalmia/Microphthalmia; Anophthalmia - microphthalmia. Identifiers: Orphanet 98555, MedGen C5680330, MONDO:0020147.

Allele frequency attached by ClinVar (database versions not stated): gnomAD 0.00561 and 0.00594; TOPMed 0.00640; 1000 Genomes Project 0.00859; 1000 Genomes Project 30x 0.00890.
gnomAD v4.1: 1,772 of 1,405,632 alleles (0.13%); highest among the groups gnomAD compares: African/African-American, 1.9%; 15 homozygotes.

Submissions (2):

GeneDx
Classification: Likely benign. Last evaluated: 2019-03-24. Review status: criteria provided, single submitter. Criteria: GeneDx Variant Classification Process June 2021. Collection method: clinical testing. Allele origin: germline. Affected: yes.

Illumina Laboratory Services, Illumina
Classification: Likely benign for Anophthalmia-microphthalmia syndrome. Last evaluated: 2018-01-12. Review status: criteria provided, single submitter. Criteria: ICSL Variant Classification Criteria 13 December 2019. Collection method: clinical testing. Allele origin: germline.
Comment: This variant was observed in the ICSL laboratory as part of a predisposition screen in an ostensibly healthy population. It had not been previously curated by ICSL or reported in the Human Gene Mutation Database (HGMD: prior to June 1st, 2018), and was therefore a candidate for classification through an automated scoring system. Utilizing variant allele frequency, disease prevalence and penetrance estimates, and inheritance mode, an automated score was calculated to assess if this variant is too frequent to cause the disease. Based on the score and internal cut-off values, a variant classified as likely benign is not then subjected to further curation. The score for this variant resulted in a classification of likely benign for this disease.